The following is an entry in ClinVar:

NM_003000.3(SDHB):c.668_679del (p.Arg223_Phe226del)

Gene: SDHB (succinate dehydrogenase complex iron sulfur subunit B; minus strand). Cytogenetic location: 1p36.13.
Variant type: Deletion.
Coding change: c.668_679del on transcript NM_003000.3 (MANE Select); coding-DNA positions 668 to 679, 12 bases deleted (GAGATGACTTCA).
Protein change: p.Arg223_Phe226del.
Molecular consequence: inframe deletion.
Genome position (GRCh38, 1-based): chr1:17,022,694-17,022,705, TGAAGTCATCTC deleted on the plus strand (GAGATGACTTCA on the coding strand, the reverse complement: SDHB is on the minus strand); deleting any 12 consecutive bases within chr1:17,022,694-17,022,707 gives the same sequence; the c. name uses the placement nearest the transcript's 3' end. VCF-style (leftmost placement, unchanged base first): chr1-17022693-GTGAAGTCATCTC-G. GRCh37 (hg19) VCF-style: chr1-17349188-GTGAAGTCATCTC-G.
Identifiers: ClinVar variation 1394793 (VCV001394793.6), dbSNP rs2101513917, ClinGen allele CA2573130765.

ClinVar aggregate classification (germline): Uncertain significance (1 of 4 stars; one submission).

Conditions:
Pheochromocytoma. Also called: MAX-Related Hereditary Paraganglioma-Pheochromocytoma Syndrome. Identifiers: Orphanet 29072, MedGen C0031511, MONDO:0008233, OMIM 171300, HP:0002666.
Pheochromocytoma/paraganglioma syndrome 4. Also called: CAROTID BODY TUMORS AND MULTIPLE EXTRAADRENAL PHEOCHROMOCYTOMAS; PARAGANGLIOMA, FAMILIAL MALIGNANT; PARAGANGLIOMAS, HEREDITARY EXTRAADRENAL; PHEOCHROMOCYTOMA, FAMILIAL EXTRAADRENAL; Paragangliomas 4; SDHB-Related Hereditary Paraganglioma-Pheochromocytoma Syndrome (Paragangliomas 4). Identifiers: Orphanet 29072, MedGen C1861848, MONDO:0007273, OMIM 115310.
Gastrointestinal stromal tumor. Also called: Gastrointestinal stroma tumor; Gastrointestinal stromal tumor, somatic. Identifiers: Orphanet 44890, MedGen C0238198, MeSH D046152, MONDO:0011719, OMIM 606764, HP:0100723.

Submission:

Labcorp Genetics (formerly Invitae), Labcorp
Classification: Uncertain significance for Gastrointestinal stromal tumor; Pheochromocytoma/paraganglioma syndrome 4; Pheochromocytoma. Last evaluated: 2023-05-15. Review status: criteria provided, single submitter. Criteria: Invitae Variant Classification Sherloc (09022015). Collection method: clinical testing. Allele origin: germline.
Comment: In summary, the available evidence is currently insufficient to determine the role of this variant in disease. Therefore, it has been classified as a Variant of Uncertain Significance. Experimental studies and prediction algorithms are not available or were not evaluated, and the functional significance of this variant is currently unknown. ClinVar contains an entry for this variant (Variation ID: 1394793). This variant has not been reported in the literature in individuals affected with SDHB-related conditions. This variant is not present in population databases (gnomAD no frequency). This variant, c.668_679del, results in the deletion of 4 amino acid(s) of the SDHB protein (p.Arg223_Phe226del), but otherwise preserves the integrity of the reading frame.